The following is an entry in ClinVar:

NM_139057.4(ADAMTS17):c.*2701G>C

Gene: ADAMTS17 (ADAM metallopeptidase with thrombospondin type 1 motif 17; minus strand). Cytogenetic location: 15q26.3.
Variant type: single nucleotide variant.
Coding change: c.*2701G>C on transcript NM_139057.4 (MANE Select); 2701 bases downstream of the stop codon, G replaced by C.
Molecular consequence: 3 prime UTR variant.
Genome position (GRCh38, 1-based): chr15:99,971,701, C>G on the plus strand (G>C on the coding strand, the complement: ADAMTS17 is on the minus strand). VCF-style: chr15-99971701-C-G. GRCh37 (hg19) VCF-style: chr15-100511906-C-G.
Identifiers: ClinVar variation 315129 (VCV000315129.5), dbSNP rs13329612, ClinGen allele CA10646814.

ClinVar aggregate classification (germline): Benign (1 of 4 stars; one submission).

Conditions:
Weill-Marchesani 4 syndrome, recessive. Also called: Weill-Marchesani syndrome 4. Identifiers: Orphanet 363992, MedGen C2750787, MONDO:0013176, OMIM 613195.

Allele frequency attached by ClinVar (database versions not stated): gnomAD 0.07318; 1000 Genomes Project 0.08327; TOPMed 0.08594; 1000 Genomes Project 30x 0.08869.

Submission:

Illumina Laboratory Services, Illumina
Classification: Benign for Weill-Marchesani 4 syndrome, recessive. Last evaluated: 2018-01-12. Review status: criteria provided, single submitter. Criteria: ICSL Variant Classification Criteria 13 December 2019. Collection method: clinical testing. Allele origin: germline.
Comment: This variant was observed in the ICSL laboratory as part of a predisposition screen in an ostensibly healthy population. It had not been previously curated by ICSL or reported in the Human Gene Mutation Database (HGMD: prior to June 1st, 2018), and was therefore a candidate for classification through an automated scoring system. Utilizing variant allele frequency, disease prevalence and penetrance estimates, and inheritance mode, an automated score was calculated to assess if this variant is too frequent to cause the disease. Based on the score and internal cut-off values, a variant classified as benign is not then subjected to further curation. The score for this variant resulted in a classification of benign for this disease.